The following is an entry in ClinVar:

ClinVar aggregate classification (germline): Uncertain significance (1 of 4 stars; one submission).

Conditions:
Developmental and epileptic encephalopathy, 23 (DEE23). Also called: Epileptic encephalopathy, early infantile, 23. Identifiers: Orphanet 411986, MedGen C4014492, MONDO:0014371, OMIM 615859.

Submission:

Labcorp Genetics (formerly Invitae), Labcorp
Classification: Uncertain significance for Developmental and epileptic encephalopathy, 23. Last evaluated: 2024-01-02. Review status: criteria provided, single submitter. Criteria: Invitae Variant Classification Sherloc (09022015). Collection method: clinical testing. Allele origin: germline.
Comment: This sequence change replaces serine, which is neutral and polar, with asparagine, which is neutral and polar, at codon 1054 of the DOCK7 protein (p.Ser1054Asn). This variant is not present in population databases (gnomAD no frequency). This variant has not been reported in the literature in individuals affected with DOCK7-related conditions. Advanced modeling of protein sequence and biophysical properties (such as structural, functional, and spatial information, amino acid conservation, physicochemical variation, residue mobility, and thermodynamic stability) performed at Invitae indicates that this missense variant is not expected to disrupt DOCK7 protein function with a negative predictive value of 80%. In summary, the available evidence is currently insufficient to determine the role of this variant in disease. Therefore, it has been classified as a Variant of Uncertain Significance.

NM_001367561.1(DOCK7):c.3161G>A (p.Ser1054Asn)

Gene: DOCK7 (dedicator of cytokinesis 7; minus strand). Cytogenetic location: 1p31.3.
Variant type: single nucleotide variant.
Coding change: c.3161G>A on transcript NM_001367561.1 (MANE Select); coding-DNA position 3161, G replaced by A.
Protein change: p.Ser1054Asn; replaces serine 1054 with asparagine.
Molecular consequence: missense variant.
Genome position (GRCh38, 1-based): chr1:62,539,777, C>T on the plus strand (G>A on the coding strand, the complement: DOCK7 is on the minus strand). VCF-style: chr1-62539777-C-T. GRCh37 (hg19) VCF-style: chr1-63005448-C-T.
Other names: c.3161G>A, p.Ser1054Asn (NM_001271999.2, NM_001330614.2); c.3068G>A, p.Ser1023Asn (NM_001272000.2, NM_001272001.2, NM_033407.4); short protein forms S1023N, S1054N.
Identifiers: ClinVar variation 2874545 (VCV002874545.2), dbSNP rs2524782438, ClinGen allele CA340609709.